The following is an entry in ClinVar:

NM_001267550.2(TTN):c.96406C>T (p.Pro32136Ser)

Genes: TTN (titin; minus strand), TTN-AS1 (TTN antisense RNA 1; plus strand), LOC126806421 (CDK7 strongly-dependent group 2 enhancer GRCh37_chr2:179407630-179408829; plus strand). Cytogenetic location: 2q31.2.
Variant type: single nucleotide variant.
Coding change: c.96406C>T on transcript NM_001267550.2 (MANE Select); coding-DNA position 96406, C replaced by T.
Protein change: p.Pro32136Ser; replaces proline 32136 with serine.
Molecular consequence: missense variant.
Genome position (GRCh38, 1-based): chr2:178,543,567, G>A on the plus strand (C>T on the coding strand, the complement: TTN is on the minus strand). VCF-style: chr2-178543567-G-A. GRCh37 (hg19) VCF-style: chr2-179408294-G-A.
Other names: c.91483C>T, p.Pro30495Ser (NM_001256850.1); c.69211C>T, p.Pro23071Ser (NM_003319.4); c.88702C>T, p.Pro29568Ser (NM_133378.4); c.69586C>T, p.Pro23196Ser (NM_133432.3); c.69787C>T, p.Pro23263Ser (NM_133437.4); short protein forms P32136S, P23263S, P23196S, P23071S, P29568S, P30495S.
Identifiers: ClinVar variation 467687 (VCV000467687.4), dbSNP rs1553518099, ClinGen allele CA349448935.

ClinVar aggregate classification (germline): Uncertain significance. Review status: criteria provided, multiple submitters, no conflicts (2 of 4 stars). 2 submissions from 2 submitters: Uncertain significance (2). Last evaluated 2025-09-24.

Conditions:
TTN-related disorder. Also called: TTN-related condition; TTN-related disease; TTN-related disorders.
Autosomal recessive limb-girdle muscular dystrophy type 2J (LGMDR10). Also called: Limb-girdle muscular dystrophy, type 2J; MUSCULAR DYSTROPHY, LIMB-GIRDLE, AUTOSOMAL RECESSIVE 10. Identifiers: Orphanet 140922, MedGen C1837342, MONDO:0012127, OMIM 608807.
Dilated cardiomyopathy 1G (CMD1G). Identifiers: Orphanet 154, MedGen C1858763, MONDO:0011400, OMIM 604145.

gnomAD v4.1: 8 of 1,610,502 alleles (0.0005%); highest among the groups gnomAD compares: Non-Finnish European, 0.00059%; no homozygotes.

Submissions (2):

PreventionGenetics, part of Exact Sciences
Classification: Uncertain significance for TTN-related condition. Last evaluated: 2025-09-24. Review status: criteria provided, single submitter. Criteria: ACMG Guidelines, 2015. Collection method: clinical testing. Allele origin: germline.
Comment: The TTN c.96406C>T variant is predicted to result in the amino acid substitution p.Pro32136Ser. To our knowledge, this variant has not been reported in the literature or in a large population database (gnomAD), indicating this variant is rare. At this time, the clinical significance of this variant is uncertain due to the absence of conclusive functional and genetic evidence.

Labcorp Genetics (formerly Invitae), Labcorp
Classification: Uncertain significance for Dilated cardiomyopathy 1G; Autosomal recessive limb-girdle muscular dystrophy type 2J. Last evaluated: 2017-04-03. Review status: criteria provided, single submitter. Criteria: Invitae Variant Classification Sherloc (09022015). Collection method: clinical testing. Allele origin: germline.